The following is an entry in ClinVar:

NM_005529.7(HSPG2):c.8624G>A (p.Gly2875Asp)

Gene: HSPG2 (heparan sulfate proteoglycan 2; minus strand). Cytogenetic location: 1p36.12.
Variant type: single nucleotide variant.
Coding change: c.8624G>A on transcript NM_005529.7 (MANE Select); coding-DNA position 8624, G replaced by A.
Protein change: p.Gly2875Asp; replaces glycine 2875 with aspartic acid.
Molecular consequence: missense variant.
Genome position (GRCh38, 1-based): chr1:21,843,431, C>T on the plus strand (G>A on the coding strand, the complement: HSPG2 is on the minus strand). VCF-style: chr1-21843431-C-T. GRCh37 (hg19) VCF-style: chr1-22169924-C-T.
Other names: c.8627G>A, p.Gly2876Asp (NM_001291860.2); short protein forms G2875D, G2876D.
Identifiers: ClinVar variation 5037510 (VCV005037510.1).

ClinVar aggregate classification (germline): Uncertain significance (1 of 4 stars; one submission).

gnomAD v4.1: 1 of 1,611,984 alleles (0.000062%); highest among the groups gnomAD compares: East Asian, 0.0022%; no homozygotes.

Submission:

GeneDx
Classification: Uncertain significance. Last evaluated: 2026-04-22. Review status: criteria provided, single submitter. Criteria: GeneDx Variant Classification Process June 2021. Collection method: clinical testing. Allele origin: germline.
Comment: Not observed at significant frequency in large population cohorts (gnomAD); In silico analysis supports that this missense variant has a deleterious effect on protein structure/function; Has not been previously published as pathogenic or benign to our knowledge